The following is an entry in ClinVar:

NM_000701.8(ATP1A1):c.1780C>G (p.Pro594Ala)

Genes: ATP1A1 (ATPase Na+/K+ transporting subunit alpha 1; plus strand), ATP1A1-AS1 (ATP1A1 antisense RNA 1; minus strand). Cytogenetic location: 1p13.1.
Variant type: single nucleotide variant.
Coding change: c.1780C>G on transcript NM_000701.8 (MANE Select); coding-DNA position 1780, C replaced by G.
Protein change: p.Pro594Ala; replaces proline 594 with alanine.
Molecular consequence: missense variant.
Genome position (GRCh38, 1-based): chr1:116,395,229, C>G. VCF-style: chr1-116395229-C-G. GRCh37 (hg19) VCF-style: chr1-116937851-C-G.
Other names: c.1780C>G, p.Pro594Ala (NM_001160233.2); c.1687C>G, p.Pro563Ala (NM_001160234.2); short protein forms P594A, P563A.
Identifiers: ClinVar variation 2114784 (VCV002114784.4), dbSNP rs2101054985, ClinGen allele CA341771599.

ClinVar aggregate classification (germline): Uncertain significance (1 of 4 stars; one submission).

Submission:

Labcorp Genetics (formerly Invitae), Labcorp
Classification: Uncertain significance. Last evaluated: 2022-03-20. Review status: criteria provided, single submitter. Criteria: Invitae Variant Classification Sherloc (09022015). Collection method: clinical testing. Allele origin: germline.
Comment: In summary, the available evidence is currently insufficient to determine the role of this variant in disease. Therefore, it has been classified as a Variant of Uncertain Significance. Algorithms developed to predict the effect of missense changes on protein structure and function are either unavailable or do not agree on the potential impact of this missense change (SIFT: "Deleterious"; PolyPhen-2: "Probably Damaging"; Align-GVGD: "Class C0"). This variant has not been reported in the literature in individuals affected with ATP1A1-related conditions. This variant is not present in population databases (gnomAD no frequency). This sequence change replaces proline, which is neutral and non-polar, with alanine, which is neutral and non-polar, at codon 594 of the ATP1A1 protein (p.Pro594Ala).